The following is an entry in ClinVar:

NM_001394998.1(TANC2):c.582+5G>A

Gene: TANC2 (tetratricopeptide repeat, ankyrin repeat and coiled-coil containing 2; plus strand). Cytogenetic location: 17q23.3.
Variant type: single nucleotide variant.
Coding change: c.582+5G>A on transcript NM_001394998.1 (MANE Select); 5 bases into the intron after coding-DNA position 582, G replaced by A.
Molecular consequence: intron variant.
Genome position (GRCh38, 1-based): chr17:63,194,144, G>A. VCF-style: chr17-63194144-G-A. GRCh37 (hg19) VCF-style: chr17-61271505-G-A.
Other names: c.360+5G>A (NM_001411076.1, NM_025185.4).
Identifiers: ClinVar variation 4883372 (VCV004883372.2).

ClinVar aggregate classification (germline): Uncertain significance (1 of 4 stars; one submission).

Conditions:
Intellectual developmental disorder with autistic features and language delay, with or without seizures. Identifiers: MedGen C5394447, MONDO:0030051, OMIM 618906.

Submission:

Dasa
Classification: Uncertain significance for intellectual developmental disorder with autistic features and language delay, with or without seizures. Last evaluated: 2025-10-07. Review status: criteria provided, single submitter. Criteria: DASA Assertion Criteria. Collection method: clinical testing. Allele origin: germline.
Comment: NM_001394998.1(TANC2):c.582+5G>A is a splice-region variant. This variant is absent from population databases. Computational prediction algorithms are consistent with a benign effect. The currently available literature and clinical evidence are not sufficient to establish a definitive association between this variant and the reported condition. Therefore, this variant is classified as a variant of uncertain significance.